The following is an entry in ClinVar:

ClinVar aggregate classification (germline): Conflicting classifications of pathogenicity. Review status: criteria provided, conflicting classifications (1 of 4 stars). 6 submissions from 6 submitters: Uncertain significance (5); Likely benign (1). Last evaluated 2025-05-16.

Conditions:
Hereditary cancer-predisposing syndrome. Also called: Hereditary neoplastic syndrome; Neoplastic Syndromes, Hereditary; Tumor predisposition; Hereditary Cancer Syndrome. Identifiers: Orphanet 140162, MedGen C0027672, MeSH D009386, MONDO:0015356.
Hereditary breast ovarian cancer syndrome. Also called: Hereditary breast and/or ovarian cancer syndrome; BRCA1- and BRCA2-Associated Hereditary Breast and Ovarian Cancer; Hereditary breast and ovarian cancer; Breast and ovarian cancer; Hereditary breast and ovarian cancer syndrome; Hereditary breast and ovarian cancer syndrome (HBOC). Identifiers: Orphanet 145, MedGen C0677776, MeSH D061325, MONDO:0003582. Disease mechanism: loss of function.
Breast-ovarian cancer, familial, susceptibility to, 2 (BROVCA2). Also called: BRCA2 Hereditary Breast and Ovarian Cancer. Identifiers: Orphanet 145, MedGen C2675520, MONDO:0012933, OMIM 612555. Disease mechanism: loss of function.
Familial cancer of breast. Also called: BREAST CANCER, FAMILIAL; hereditary breast carcinoma; Hereditary breast cancer. Identifiers: Orphanet 227535, MedGen C0346153, MONDO:0016419, OMIM 114480. Disease mechanism: loss of function.

gnomAD v4.1: 1 of 1,614,022 alleles (0.000062%); highest among the groups gnomAD compares: Non-Finnish European, 0.000085%; no homozygotes.

Submissions (6):

Ambry Genetics
Classification: Likely benign for Hereditary cancer-predisposing syndrome. Last evaluated: 2025-05-16. Review status: criteria provided, single submitter. Criteria: Ambry Variant Classification Scheme 2023. Collection method: clinical testing. Allele origin: germline.

Baylor Genetics
Classification: Uncertain significance for Familial cancer of breast. Last evaluated: 2024-01-03. Review status: criteria provided, single submitter. Criteria: ACMG Guidelines, 2015. Collection method: clinical testing. Allele origin: unknown.

Revvity Omics, Revvity
Classification: Uncertain significance. Last evaluated: 2023-12-21. Review status: criteria provided, single submitter. Criteria: ACMG Guidelines, 2015. Collection method: clinical testing. Allele origin: germline.

KCCC/NGS Laboratory, Kuwait Cancer Control Center
Classification: Uncertain significance for Breast-ovarian cancer, familial, susceptibility to, 2. Last evaluated: 2023-06-06. Review status: criteria provided, single submitter. Criteria: ACMG Guidelines, 2015. Collection method: clinical testing. Allele origin: germline. Affected: yes.
Comment: A variant of uncertain significance was detected in the BRCA2 gene (c.9401G>C). This missense variant replaces glycine with alanine at codon 3134 of the BRCA2 protein. This variant has not been reported in individuals affected with cancer in the literature. ClinVar has an entry for this variant (ID:462525). This variant has been identified in 1/251350 chromosomes in the general population by the Genome Aggregation Database (gnomAD). Computational prediction is inconclusive based on 6 pathogenic predictions from BayesDel_addAF, DANN, FATHMM-MKL, M-CAP, MVP and SIFT vs 3 benign predictions from EIGEN, MutationTaster and PrimateAI. Splice site prediction tools suggest that this variant may not impact RNA splicing. Functional studies have not been reported for this variant. The available evidence is insufficient to determine the role of this variant in disease conclusively. Therefore, this variant is classified as a Variant of Uncertain Significance.

Color Diagnostics, LLC DBA Color Health
Classification: Uncertain significance for Hereditary cancer-predisposing syndrome. Last evaluated: 2023-02-06. Review status: criteria provided, single submitter. Criteria: ACMG Guidelines, 2015. Collection method: clinical testing. Allele origin: germline.
Comment: This missense variant replaces glycine with alanine at codon 3134 of the BRCA2 protein. Computational prediction is inconclusive regarding the impact of this variant on protein structure and function (internally defined REVEL score threshold 0.5 < inconclusive < 0.7, PMID: 27666373). To our knowledge, functional studies have not been reported for this variant. This variant has been reported in an individual affected with breast cancer (PMID: 33471991; Leiden Open Variation Database DB-ID BRCA2_001128). This variant has been identified in 1/251350 chromosomes in the general population by the Genome Aggregation Database (gnomAD). The available evidence is insufficient to determine the role of this variant in disease conclusively. Therefore, this variant is classified as a Variant of Uncertain Significance.

Labcorp Genetics (formerly Invitae), Labcorp
Classification: Uncertain significance for Hereditary breast ovarian cancer syndrome. Last evaluated: 2022-11-20. Review status: criteria provided, single submitter. Criteria: Invitae Variant Classification Sherloc (09022015). Collection method: clinical testing. Allele origin: germline.
Comment: ClinVar contains an entry for this variant (Variation ID: 462525). This variant has not been reported in the literature in individuals affected with BRCA2-related conditions. This variant is not present in population databases (gnomAD no frequency). This sequence change replaces glycine, which is neutral and non-polar, with alanine, which is neutral and non-polar, at codon 3134 of the BRCA2 protein (p.Gly3134Ala). Advanced modeling of protein sequence and biophysical properties (such as structural, functional, and spatial information, amino acid conservation, physicochemical variation, residue mobility, and thermodynamic stability) performed at Invitae indicates that this missense variant is not expected to disrupt BRCA2 protein function. In summary, the available evidence is currently insufficient to determine the role of this variant in disease. Therefore, it has been classified as a Variant of Uncertain Significance.

Literature cited by the submitters: PubMed 33471991 (cited by Color Diagnostics, LLC DBA Color Health).

NM_000059.4(BRCA2):c.9401G>C (p.Gly3134Ala)

Gene: BRCA2 (BRCA2 DNA repair associated; plus strand). Cytogenetic location: 13q13.1.
Variant type: single nucleotide variant.
Coding change: c.9401G>C on transcript NM_000059.4 (MANE Select); coding-DNA position 9401, G replaced by C.
Protein change: p.Gly3134Ala; replaces glycine 3134 with alanine.
Molecular consequence: missense variant.
Genome position (GRCh38, 1-based): chr13:32,394,833, G>C. VCF-style: chr13-32394833-G-C. GRCh37 (hg19) VCF-style: chr13-32968970-G-C.
Other names: short protein forms G3134A.
Identifiers: ClinVar variation 462525 (VCV000462525.21), dbSNP rs80359215, ClinGen allele CA387761371.